The following is an entry in ClinVar:

NM_001004334.4(GPR179):c.4366G>T (p.Gly1456Cys)

Gene: GPR179 (G protein-coupled receptor 179; minus strand). Cytogenetic location: 17q12.
Variant type: single nucleotide variant.
Coding change: c.4366G>T on transcript NM_001004334.4 (MANE Select); coding-DNA position 4366, G replaced by T.
Protein change: p.Gly1456Cys; replaces glycine 1456 with cysteine.
Molecular consequence: missense variant.
Genome position (GRCh38, 1-based): chr17:38,329,203, C>A on the plus strand (G>T on the coding strand, the complement: GPR179 is on the minus strand). VCF-style: chr17-38329203-C-A. GRCh37 (hg19) VCF-style: chr17-36485086-C-A.
Other names: c.4366G>T (NM_001004334.2); short protein forms G1456C.
Identifiers: ClinVar variation 1508585 (VCV001508585.7), dbSNP rs755963388, ClinGen allele CA398877036.

ClinVar aggregate classification (germline): Uncertain significance. Review status: criteria provided, multiple submitters, no conflicts (2 of 4 stars). 2 submissions from 2 submitters: Uncertain significance (2). Last evaluated 2024-09-08.

Conditions:
Inborn genetic diseases. Identifiers: MedGen C0950123, MeSH D030342.

Allele frequency attached by ClinVar (database versions not stated): gnomAD 0.00001; TOPMed 0.00002.
gnomAD v4.1: 14 of 1,613,884 alleles (0.00087%); highest among the groups gnomAD compares: African/African-American, 0.0027%; no homozygotes.

Submissions (2):

Ambry Genetics
Classification: Uncertain significance for Inborn genetic diseases. Last evaluated: 2024-09-08. Review status: criteria provided, single submitter. Criteria: Ambry Variant Classification Scheme 2023. Collection method: clinical testing. Allele origin: germline.

Labcorp Genetics (formerly Invitae), Labcorp
Classification: Uncertain significance. Last evaluated: 2021-11-19. Review status: criteria provided, single submitter. Criteria: Invitae Variant Classification Sherloc (09022015). Collection method: clinical testing. Allele origin: germline.
Comment: In summary, the available evidence is currently insufficient to determine the role of this variant in disease. Therefore, it has been classified as a Variant of Uncertain Significance. Algorithms developed to predict the effect of missense changes on protein structure and function are either unavailable or do not agree on the potential impact of this missense change (SIFT: "Deleterious"; PolyPhen-2: "Probably Damaging"; Align-GVGD: "Class C0"). This variant has not been reported in the literature in individuals affected with GPR179-related conditions. This variant is present in population databases (no rsID available, gnomAD 0.008%). This sequence change replaces glycine, which is neutral and non-polar, with cysteine, which is neutral and slightly polar, at codon 1456 of the GPR179 protein (p.Gly1456Cys).